The following is an entry in ClinVar:

NM_020312.4(COQ9):c.859G>C (p.Ala287Pro)

Gene: COQ9 (coenzyme Q9; plus strand). Cytogenetic location: 16q21.
Variant type: single nucleotide variant.
Coding change: c.859G>C on transcript NM_020312.4 (MANE Select); coding-DNA position 859, G replaced by C.
Protein change: p.Ala287Pro; replaces alanine 287 with proline.
Molecular consequence: missense variant.
Genome position (GRCh38, 1-based): chr16:57,459,712, G>C. VCF-style: chr16-57459712-G-C. GRCh37 (hg19) VCF-style: chr16-57493624-G-C.
Other names: short protein forms A287P.
Identifiers: ClinVar variation 3684365 (VCV003684365.2).

ClinVar aggregate classification (germline): Uncertain significance (1 of 4 stars; one submission).

gnomAD v4.1: 1 of 1,614,108 alleles (0.000062%); highest among the groups gnomAD compares: South Asian, 0.0011%; no homozygotes.

Submission:

Labcorp Genetics (formerly Invitae), Labcorp
Classification: Uncertain significance. Last evaluated: 2024-09-22. Review status: criteria provided, single submitter. Criteria: Invitae Variant Classification Sherloc (09022015). Collection method: clinical testing. Allele origin: germline.
Comment: This sequence change replaces alanine, which is neutral and non-polar, with proline, which is neutral and non-polar, at codon 287 of the COQ9 protein (p.Ala287Pro). This variant is not present in population databases (gnomAD no frequency). This variant has not been reported in the literature in individuals affected with COQ9-related conditions. An algorithm developed to predict the effect of missense changes on protein structure and function (PolyPhen-2) suggests that this variant is likely to be disruptive. In summary, the available evidence is currently insufficient to determine the role of this variant in disease. Therefore, it has been classified as a Variant of Uncertain Significance.